The following is an entry in ClinVar:

NM_017534.6(MYH2):c.3740C>G (p.Ala1247Gly)

Genes: MYH2 (myosin heavy chain 2; minus strand), MYHAS (myosin heavy chain gene cluster antisense RNA; plus strand). Cytogenetic location: 17p13.1.
Variant type: single nucleotide variant.
Coding change: c.3740C>G on transcript NM_017534.6 (MANE Select); coding-DNA position 3740, C replaced by G.
Protein change: p.Ala1247Gly; replaces alanine 1247 with glycine.
Molecular consequence: missense variant.
Genome position (GRCh38, 1-based): chr17:10,528,694, G>C on the plus strand (C>G on the coding strand, the complement: MYH2 is on the minus strand). VCF-style: chr17-10528694-G-C. GRCh37 (hg19) VCF-style: chr17-10432011-G-C.
Other names: c.3740C>G, p.Ala1247Gly (NM_001100112.2); short protein forms A1247G.
Identifiers: ClinVar variation 964271 (VCV000964271.7), dbSNP rs2073384604, ClinGen allele CA398132303.

ClinVar aggregate classification (germline): Uncertain significance (1 of 4 stars; one submission).

Conditions:
Myopathy, proximal, and ophthalmoplegia (CMYO6). Also called: INCLUSION BODY MYOPATHY 3, AUTOSOMAL DOMINANT; CONGENITAL MYOPATHY 6 WITH OPHTHALMOPLEGIA; MYOPATHY WITH CONGENITAL JOINT CONTRACTURES, OPHTHALMOPLEGIA, AND RIMMED VACUOLES. Identifiers: Orphanet 363677, Orphanet 79091, MedGen C1854106, MONDO:0011577, OMIM 605637.

Submission:

Labcorp Genetics (formerly Invitae), Labcorp
Classification: Uncertain significance for Myopathy, proximal, and ophthalmoplegia. Last evaluated: 2022-01-06. Review status: criteria provided, single submitter. Criteria: Invitae Variant Classification Sherloc (09022015). Collection method: clinical testing. Allele origin: germline.
Comment: This sequence change replaces alanine, which is neutral and non-polar, with glycine, which is neutral and non-polar, at codon 1247 of the MYH2 protein (p.Ala1247Gly). This variant is not present in population databases (gnomAD no frequency). This variant has not been reported in the literature in individuals affected with MYH2-related conditions. ClinVar contains an entry for this variant (Variation ID: 964271). Algorithms developed to predict the effect of missense changes on protein structure and function are either unavailable or do not agree on the potential impact of this missense change (SIFT: "Deleterious"; PolyPhen-2: "Benign"; Align-GVGD: "Class C0"). In summary, the available evidence is currently insufficient to determine the role of this variant in disease. Therefore, it has been classified as a Variant of Uncertain Significance.